The following is an entry in ClinVar:

NM_000431.4(MVK):c.1097_1100del (p.Asp366fs)

Gene: MVK (mevalonate kinase; plus strand). Cytogenetic location: 12q24.11.
Variant type: Deletion.
Coding change: c.1097_1100del on transcript NM_000431.4 (MANE Select); coding-DNA positions 1097 to 1100, 4 bases deleted (ACTG; older notation c.1097_1100delACTG).
Protein change: p.Asp366fs; shifts the reading frame from aspartic acid 366.
Molecular consequence: frameshift variant.
Genome position (GRCh38, 1-based): chr12:109,596,483-109,596,486, ACTG deleted; deleting any 4 consecutive bases within chr12:109,596,481-109,596,486 gives the same sequence; the c. name uses the placement nearest the transcript's 3' end. VCF-style (leftmost placement, unchanged base first): chr12-109596480-TTGAC-T. GRCh37 (hg19) VCF-style: chr12-110034285-TTGAC-T.
Other names: c.1097_1100del, p.Asp366fs (NM_001114185.3); c.941_944del, p.Asp314fs (NM_001301182.2); short protein forms D314fs, D366fs.
Identifiers: ClinVar variation 97565 (VCV000097565.1), dbSNP rs104895372, ClinGen allele CA149777.

ClinVar aggregate classification (germline): not provided (0 of 4 stars; one submission).

Conditions:
Hyperimmunoglobulin D with periodic fever (HIDS). Also called: HYPERIMMUNOGLOBULINEMIA D AND PERIODIC FEVER SYNDROME; Hyperimmunoglobulinemia D; Hyperimmunoglobulinemia D with periodic fever. Identifiers: Orphanet 343, MedGen C0398691, MONDO:0009849, OMIM 260920.

Submission:

Unité médicale des maladies autoinflammatoires, CHRU Montpellier
No classification provided. Condition: Hyperimmunoglobulin D with periodic fever. Review status: no classification provided. Collection method: not provided. Allele origin: unknown.
Comment: also involved in OMIM 25117